The following is an entry in ClinVar:

NM_001369.3(DNAH5):c.12241_12242delinsCTGTCTCTTATACACATC (p.Val4081fs)

Gene: DNAH5 (dynein axonemal heavy chain 5; minus strand). Cytogenetic location: 5p15.2.
Variant type: Indel.
Coding change: c.12241_12242delinsCTGTCTCTTATACACATC on transcript NM_001369.3 (MANE Select); coding-DNA positions 12241 to 12242, GT replaced by CTGTCTCTTATACACATC.
Protein change: p.Val4081fs; shifts the reading frame from valine 4081.
Molecular consequence: frameshift variant.
Genome position (GRCh38, 1-based): chr5:13,721,037-13,721,038, AC replaced by GATGTGTATAAGAGACAG on the plus strand (GT replaced by CTGTCTCTTATACACATC on the coding strand, the reverse complement: DNAH5 is on the minus strand). VCF-style: chr5-13721037-AC-GATGTGTATAAGAGACAG. GRCh37 (hg19) VCF-style: chr5-13721146-AC-GATGTGTATAAGAGACAG.
Other names: short protein forms V4081fs.
Identifiers: ClinVar variation 5010641 (VCV005010641.1).

ClinVar aggregate classification (germline): Pathogenic (1 of 4 stars; one submission).

Conditions:
Primary ciliary dyskinesia 3. Identifiers: Orphanet 244, MedGen C1837618, MONDO:0012085, OMIM 608644.

Submission:

Myriad Genetics, Inc.
Classification: Pathogenic for Primary ciliary dyskinesia 3. Last evaluated: 2024-05-14. Review status: criteria provided, single submitter. Criteria: Myriad Autosomal Dominant, Autosomal Recessive and X-Linked Classification Criteria (2023). Collection method: clinical testing. Allele origin: unknown.
Comment: NM_001369.2(DNAH5):c.12241_12242del2ins18(V4081Lfs*32) is expected to be pathogenic in the context of primary ciliary dyskinesia, DNAH5-related. This variant is predicted to lead to an abnormal or absent protein product due to the creation of a premature termination codon in DNAH5, a gene where loss-of-function variants are known to be pathogenic. Please note: this variant was assessed in the context of healthy population screening.